The following is an entry in ClinVar:

ClinVar aggregate classification (germline): Uncertain significance (1 of 4 stars; one submission).

Submission:

Labcorp Genetics (formerly Invitae), Labcorp
Classification: Uncertain significance. Last evaluated: 2022-03-26. Review status: criteria provided, single submitter. Criteria: Invitae Variant Classification Sherloc (09022015). Collection method: clinical testing. Allele origin: germline.
Comment: In summary, the available evidence is currently insufficient to determine the role of this variant in disease. Therefore, it has been classified as a Variant of Uncertain Significance. This variant has not been reported in the literature in individuals affected with ARIH1-related conditions. This variant is not present in population databases (gnomAD no frequency). This variant, c.257_258insCGGTGGTGG, results in the insertion of 3 amino acid(s) of the ARIH1 protein (p.Gly88_Gly90dup), but otherwise preserves the integrity of the reading frame.

NM_005744.5(ARIH1):c.257_258insCGGTGGTGG (p.Gly90_Pro91insGlyGlyGly)

Gene: ARIH1 (ariadne RBR E3 ubiquitin protein ligase 1; plus strand). Cytogenetic location: 15q24.1.
Variant type: Insertion.
Coding change: c.257_258insCGGTGGTGG on transcript NM_005744.5 (MANE Select); coding-DNA positions 257 to 258, CGGTGGTGG inserted.
Protein change: p.Gly90_Pro91insGlyGlyGly.
Molecular consequence: inframe insertion.
Genome position: GRCh38 VCF-style: chr15-72474894-C-CGGCGGTGGT. GRCh37 (hg19) VCF-style: chr15-72767235-C-CGGCGGTGGT.
Identifiers: ClinVar variation 1985902 (VCV001985902.4), dbSNP rs2063787862, ClinGen allele CA2575781538.